The following is an entry in ClinVar:

ClinVar aggregate classification (germline): Likely benign. Review status: criteria provided, multiple submitters, no conflicts (2 of 4 stars). 3 submissions from 3 submitters: Likely benign (3). Last evaluated 2024-10-08.

Allele frequency attached by ClinVar (database versions not stated): 1000 Genomes Project 30x 0.00016; 1000 Genomes Project 0.00020.
gnomAD v4.1: 13 of 1,612,700 alleles (0.00081%); highest among the groups gnomAD compares: African/African-American, 0.0067%; no homozygotes.

Submissions (3):

Blueprint Genetics
Classification: Likely benign. Last evaluated: 2024-10-08. Review status: criteria provided, single submitter. Criteria: ACMG Guidelines, 2015. Collection method: clinical testing. Allele origin: germline.

Labcorp Genetics (formerly Invitae), Labcorp
Classification: Likely benign. Last evaluated: 2023-05-13. Review status: criteria provided, single submitter. Criteria: Invitae Variant Classification Sherloc (09022015). Collection method: clinical testing. Allele origin: germline.

CeGaT Center for Human Genetics Tuebingen
Classification: Likely benign. Last evaluated: 2023-03-01. Review status: criteria provided, single submitter. Criteria: CeGaT Center For Human Genetics Tuebingen Variant Classification Criteria Version 2. Collection method: clinical testing. Allele origin: germline. Affected: yes. Observed: 1 variant allele.
Comment: PDE6B: BP4, BP7

NM_000283.4(PDE6B):c.1749G>A (p.Thr583=)

Gene: PDE6B (phosphodiesterase 6B; plus strand). Cytogenetic location: 4p16.3.
Variant type: single nucleotide variant.
Coding change: c.1749G>A on transcript NM_000283.4 (MANE Select); coding-DNA position 1749, G replaced by A.
Protein change: p.Thr583=; no amino-acid change (threonine 583 retained).
Molecular consequence: synonymous variant.
Genome position (GRCh38, 1-based): chr4:662,535, G>A. VCF-style: chr4-662535-G-A. GRCh37 (hg19) VCF-style: chr4-656324-G-A.
Other names: c.1749G>A, p.Thr583= (NM_001145291.2); c.912G>A, p.Thr304= (NM_001145292.2, NM_001350154.3, NM_001379246.1 and 1 more transcripts); c.594G>A, p.Thr198= (NM_001350155.3).
Identifiers: ClinVar variation 1131610 (VCV001131610.33), dbSNP rs139938205, ClinGen allele CA2794672.